The following is an entry in ClinVar:

NM_001292063.2(OTOG):c.3540G>A (p.Trp1180Ter)

Gene: OTOG (otogelin; plus strand). Cytogenetic location: 11p15.1.
Variant type: single nucleotide variant.
Coding change: c.3540G>A on transcript NM_001292063.2 (MANE Select); coding-DNA position 3540, G replaced by A.
Protein change: p.Trp1180Ter; replaces tryptophan 1180 with a stop codon.
Molecular consequence: nonsense.
Genome position (GRCh38, 1-based): chr11:17,596,865, G>A. VCF-style: chr11-17596865-G-A. GRCh37 (hg19) VCF-style: chr11-17618412-G-A.
Other names: c.3576G>A, p.Trp1192Ter (NM_001277269.2); short protein forms W1192*, W1180*.
Identifiers: ClinVar variation 4294540 (VCV004294540.1).

ClinVar aggregate classification (germline): Likely pathogenic (1 of 4 stars; one submission).

Conditions:
Autosomal recessive nonsyndromic hearing loss 18B. Also called: Deafness, autosomal recessive 18b. Identifiers: Orphanet 90636, MedGen C3554163, MONDO:0013985, OMIM 614945.

Submission:

Molecular Genetics Department, Kulakov National Medical Research Center for Obstetrics, Gynecology and Perinatology
Classification: Likely pathogenic for Autosomal recessive nonsyndromic hearing loss 18B. Review status: criteria provided, single submitter. Criteria: ACMG Guidelines, 2015. Collection method: clinical testing. Allele origin: germline. Affected: yes. Observed: 1 variant allele.
Comment: A previously undescribed heterozygous nucleotide variant creates a premature translation stop signal p.Trp1180Ter in the OTOG gene. Homozygous and compound heterozygous variants are reported in patients with deafness, autosomal recessive 18B, 614945. The variant is not present in population database (gnomAD no frequency). In summary, the currently available evidence indicates that the variant is pathogenic, but additional data are needed to prove that conclusively. Therefore, this variant has been classified as likely pathogenic.